The following is an entry in ClinVar:

ClinVar aggregate classification (germline): Uncertain significance. Review status: criteria provided, single submitter (1 of 4 stars). 2 submissions from 2 submitters: Uncertain significance (1). 1 of the submissions does not count toward it. Last evaluated 2025-12-12.

Conditions:
JAK2-related disorder. Also called: JAK2-related condition.

Allele frequency attached by ClinVar (database versions not stated): gnomAD 0.00006; gnomAD exomes 0.00011; ExAC 0.00013; 1000 Genomes Project 30x 0.00016; 1000 Genomes Project 0.00020.
gnomAD v4.1: 170 of 1,598,380 alleles (0.011%); highest among the groups gnomAD compares: Admixed American, 0.043%; no homozygotes.

Submissions (2):

Labcorp Genetics (formerly Invitae), Labcorp
Classification: Uncertain significance. Last evaluated: 2025-12-12. Review status: criteria provided, single submitter. Criteria: Invitae Variant Classification Sherloc (09022015). Collection method: clinical testing. Allele origin: germline.
Comment: This sequence change replaces isoleucine, which is neutral and non-polar, with threonine, which is neutral and polar, at codon 899 of the JAK2 protein (p.Ile899Thr). This variant is present in population databases (rs200282557, gnomAD 0.07%), and has an allele count higher than expected for a pathogenic variant. This variant has not been reported in the literature in individuals affected with JAK2-related conditions. ClinVar contains an entry for this variant (Variation ID: 2072623). Invitae Evidence Modeling of protein sequence and biophysical properties (such as structural, functional, and spatial information, amino acid conservation, physicochemical variation, residue mobility, and thermodynamic stability) indicates that this missense variant is not expected to disrupt JAK2 protein function with a negative predictive value of 80%. In summary, the available evidence is currently insufficient to determine the role of this variant in disease. Therefore, it has been classified as a Variant of Uncertain Significance.

PreventionGenetics, part of Exact Sciences
Classification: Likely benign for JAK2-related condition. Last evaluated: 2023-12-18. Review status: no assertion criteria provided. Collection method: clinical testing. Allele origin: germline. Not counted in ClinVar's aggregate classification.
Comment: This variant is classified as likely benign based on ACMG/AMP sequence variant interpretation guidelines (Richards et al. 2015 PMID: 25741868, with internal and published modifications).

NM_004972.4(JAK2):c.2696T>C (p.Ile899Thr)

Genes: INSL6 (insulin like 6; minus strand), JAK2 (Janus kinase 2; plus strand). Cytogenetic location: 9p24.1.
Variant type: single nucleotide variant.
Coding change: c.2696T>C on transcript NM_004972.4 (MANE Select); coding-DNA position 2696, T replaced by C.
Protein change: p.Ile899Thr; replaces isoleucine 899 with threonine.
Molecular consequence: missense variant. On other transcripts: non-coding transcript variant (2).
Genome position (GRCh38, 1-based): chr9:5,089,798, T>C. VCF-style: chr9-5089798-T-C. GRCh37 (hg19) VCF-style: chr9-5089798-T-C.
Other names: c.2696T>C, p.Ile899Thr (NM_001322194.2, NM_001322195.2, NM_001322196.2); c.1481T>C, p.Ile494Thr (NM_001322198.2, NM_001322199.2); c.2249T>C, p.Ile750Thr (NM_001322204.2); short protein forms I750T, I494T, I899T.
Identifiers: ClinVar variation 2072623 (VCV002072623.6), dbSNP rs200282557, ClinGen allele CA4972216.
Genomic context (GRCh38, chr9:5,089,798, plus strand): 5'-TCGCTGTAAAAAAGCTTCAGCATAGTACTGAAGAGCACCTAAGAGACTTTGAAAGGGAAA[T>C]TGAAATCCTGAAATCCCTACAGCATGACAACATTGTAAAGTACAAGGGAGTGTGCTACAG-3'
Protein context (NP_004963.1, residues 889-909): EEHLRDFERE[Ile899Thr]EILKSLQHDN